The following is an entry in ClinVar:

ClinVar aggregate classification (germline): Pathogenic (1 of 4 stars; one submission).

Conditions:
POLG-related disorder. Also called: POLG-Related Spectrum Disorders; POLG-related condition; POLG-Related Disorders. Identifiers: MedGen C4763519.

Submission:

Myriad Genetics, Inc.
Classification: Pathogenic for POLG-related disorder. Last evaluated: 2025-01-08. Review status: criteria provided, single submitter. Criteria: Myriad Autosomal Dominant, Autosomal Recessive and X-Linked Classification Criteria (2023). Collection method: clinical testing. Allele origin: unknown.
Comment: NM_002693.2(POLG):c.1087dupT(Y363Lfs*25) is expected to be pathogenic in the context of POLG-related disorders. This variant is predicted to lead to an abnormal or absent protein product due to the creation of a premature termination codon in POLG, a gene where loss-of-function variants are known to be pathogenic. Please note: this variant was assessed in the context of healthy population screening.

NM_002693.3(POLG):c.1087dup (p.Tyr363fs)

Gene: POLG (DNA polymerase gamma, catalytic subunit; minus strand). Cytogenetic location: 15q26.1.
Variant type: Duplication.
Coding change: c.1087dup on transcript NM_002693.3 (MANE Select); coding-DNA position 1087, one base duplicated (T; older notation c.1087dupT).
Protein change: p.Tyr363fs; shifts the reading frame from tyrosine 363.
Molecular consequence: frameshift variant.
Genome position (GRCh38, 1-based): chr15:89,328,768, A duplicated on the plus strand (T on the coding strand, the reverse complement: POLG is on the minus strand); the first of 3 consecutive A bases (chr15:89,328,768-89,328,770); duplicating any one gives the same sequence. VCF-style (leftmost placement, unchanged base first): chr15-89328767-T-TA. GRCh37 (hg19) VCF-style: chr15-89871998-T-TA.
Other names: c.1087dup, p.Tyr363fs (NM_001126131.2); short protein forms Y363fs.
Identifiers: ClinVar variation 5013936 (VCV005013936.1).